The following is an entry in ClinVar:

NM_000038.6(APC):c.3285G>A (p.Gln1095=)

Gene: APC (APC regulator of Wnt signaling pathway; plus strand). Cytogenetic location: 5q22.2.
Variant type: single nucleotide variant.
Coding change: c.3285G>A on transcript NM_000038.6 (MANE Select); coding-DNA position 3285, G replaced by A.
Protein change: p.Gln1095=; no amino-acid change (glutamine 1095 retained).
Molecular consequence: synonymous variant.
Genome position (GRCh38, 1-based): chr5:112,838,879, G>A. VCF-style: chr5-112838879-G-A. GRCh37 (hg19) VCF-style: chr5-112174576-G-A.
Other names: c.3285G>A, p.Gln1095= (NM_001127510.3, NM_001354895.2); c.3231G>A, p.Gln1077= (NM_001127511.3); c.3339G>A, p.Gln1113= (NM_001354896.2); c.3315G>A, p.Gln1105= (NM_001354897.2); c.3210G>A, p.Gln1070= (NM_001354898.2); c.3201G>A, p.Gln1067= (NM_001354899.2); c.3162G>A, p.Gln1054= (NM_001354900.2); c.3108G>A, p.Gln1036= (NM_001354901.2); and 5 more.
Identifiers: ClinVar variation 823431 (VCV000823431.16), dbSNP rs1580633428, ClinGen allele CA445963571.
Genomic context (GRCh38, chr5:112,838,879, plus strand): 5'-TCCTGTTTATACTGAGAGCACTGATGATAAACACCTCAAGTTCCAACCACATTTTGGACA[G>A]CAGGAATGTGTTTCTCCATACAGGTCACGGGGAGCCAATGGTTCAGAAACAAATCGAGTG-3'
Protein context (NP_000029.2, residues 1085-1105): KHLKFQPHFG[Gln1095=]QECVSPYRSR

ClinVar aggregate classification (germline): Benign/Likely benign. Review status: criteria provided, multiple submitters, no conflicts (2 of 4 stars). 4 submissions from 4 submitters: Benign (1); Likely benign (3). Last evaluated 2024-11-07.

Conditions:
Hereditary cancer-predisposing syndrome. Also called: Tumor predisposition; Hereditary Cancer Syndrome; Neoplastic Syndromes, Hereditary; Hereditary neoplastic syndrome. Identifiers: Orphanet 140162, MedGen C0027672, MeSH D009386, MONDO:0015356.
Familial adenomatous polyposis 1 (FAP1). Also called: FAMILIAL ADENOMATOUS POLYPOSIS 1, ATTENUATED; POLYPOSIS, ADENOMATOUS INTESTINAL. Identifiers: MedGen C2713442, MONDO:0021056, OMIM 175100. Disease mechanism: loss of function.

Allele frequency attached by ClinVar (database versions not stated): gnomAD exomes below 0.00001.
gnomAD v4.1: 3 of 1,614,138 alleles (0.00019%); highest among the groups gnomAD compares: Non-Finnish European, 0.00017%; no homozygotes.

Submissions (4):

Labcorp Genetics (formerly Invitae), Labcorp
Classification: Likely benign for Familial adenomatous polyposis 1. Last evaluated: 2024-11-07. Review status: criteria provided, single submitter. Criteria: Invitae Variant Classification Sherloc (09022015). Collection method: clinical testing. Allele origin: germline.

Myriad Genetics, Inc.
Classification: Benign for Familial adenomatous polyposis 1. Last evaluated: 2024-03-18. Review status: criteria provided, single submitter. Criteria: Myriad Autosomal Dominant, Autosomal Recessive and X-Linked Classification Criteria (2023). Collection method: clinical testing. Allele origin: unknown.
Comment: This variant is considered benign. This variant is a silent/synonymous amino acid change and it is not expected to impact splicing.

Color Diagnostics, LLC DBA Color Health
Classification: Likely benign for Hereditary cancer-predisposing syndrome. Last evaluated: 2019-10-16. Review status: criteria provided, single submitter. Criteria: ACMG Guidelines, 2015. Collection method: clinical testing. Allele origin: germline.

Ambry Genetics
Classification: Likely benign for Hereditary cancer-predisposing syndrome. Last evaluated: 2018-12-19. Review status: criteria provided, single submitter. Criteria: Ambry Variant Classification Scheme 2023. Collection method: clinical testing. Allele origin: germline.